The following is an entry in ClinVar:

NM_016427.3(ELOA2):c.1156T>A (p.Tyr386Asn)

Genes: ELOA2 (elongin A2; minus strand), KATNAL2 (katanin catalytic subunit A1 like 2; plus strand). Cytogenetic location: 18q21.1.
Variant type: single nucleotide variant.
Coding change: c.1156T>A on transcript NM_016427.3 (MANE Select); coding-DNA position 1156, T replaced by A.
Protein change: p.Tyr386Asn; replaces tyrosine 386 with asparagine.
Molecular consequence: missense variant. On other transcripts: intron variant (14).
Genome position (GRCh38, 1-based): chr18:47,034,109, A>T on the plus strand (T>A on the coding strand, the complement: ELOA2 is on the minus strand). VCF-style: chr18-47034109-A-T. GRCh37 (hg19) VCF-style: chr18-44560480-A-T.
Other names: c.-1-24126A>T (NM_001353904.1, NM_001353903.1, NM_001353907.1 and 3 more transcripts); c.130-12348A>T (NM_001353899.1, NM_001353900.1, NM_001353902.1); c.52-12348A>T (NM_001353901.1, NM_001387690.1, NM_001367621.1); c.-294-12348A>T (NM_001353905.1); c.-94-18771A>T (NM_031303.3); short protein forms Y386N.
Identifiers: ClinVar variation 5038656 (VCV005038656.1).

ClinVar aggregate classification (germline): Likely benign (1 of 4 stars; one submission).

gnomAD v4.1: 1,578 of 1,614,138 alleles (0.098%); highest among the groups gnomAD compares: African/African-American, 1%; 7 homozygotes.

Submission:

CeGaT Center for Human Genetics Tuebingen
Classification: Likely benign. Last evaluated: 2026-07-01. Review status: criteria provided, single submitter. Criteria: CeGaT Center For Human Genetics Tuebingen Variant Classification Criteria Version 2. Collection method: clinical testing. Allele origin: germline. Affected: yes. Observed: 1 variant allele.
Comment: ELOA2: BP4, BS1